The following is an entry in ClinVar:

NM_001270508.2(TNFAIP3):c.1349C>T (p.Pro450Leu)

Gene: TNFAIP3 (TNF alpha induced protein 3; plus strand). Cytogenetic location: 6q23.3.
Variant type: single nucleotide variant.
Coding change: c.1349C>T on transcript NM_001270508.2 (MANE Select); coding-DNA position 1349, C replaced by T.
Protein change: p.Pro450Leu; replaces proline 450 with leucine.
Molecular consequence: missense variant.
Genome position (GRCh38, 1-based): chr6:137,878,794, C>T. VCF-style: chr6-137878794-C-T. GRCh37 (hg19) VCF-style: chr6-138199931-C-T.
Other names: c.1349C>T, p.Pro450Leu (NM_001270507.2, NM_006290.4); short protein forms P450L.
Identifiers: ClinVar variation 4779558 (VCV004779558.1).

ClinVar aggregate classification (germline): Uncertain significance (1 of 4 stars; one submission).

gnomAD v4.1: 1 of 1,614,132 alleles (0.000062%); highest among the groups gnomAD compares: Admixed American, 0.0017%; no homozygotes.

Submission:

Labcorp Genetics (formerly Invitae), Labcorp
Classification: Uncertain significance. Last evaluated: 2025-07-09. Review status: criteria provided, single submitter. Criteria: Invitae Variant Classification Sherloc (09022015). Collection method: clinical testing. Allele origin: germline.
Comment: This sequence change replaces proline, which is neutral and non-polar, with leucine, which is neutral and non-polar, at codon 450 of the TNFAIP3 protein (p.Pro450Leu). This variant is not present in population databases (gnomAD no frequency). This variant has not been reported in the literature in individuals affected with TNFAIP3-related conditions. Invitae Evidence Modeling of protein sequence and biophysical properties (such as structural, functional, and spatial information, amino acid conservation, physicochemical variation, residue mobility, and thermodynamic stability) indicates that this missense variant is not expected to disrupt TNFAIP3 protein function with a negative predictive value of 80%. In summary, the available evidence is currently insufficient to determine the role of this variant in disease. Therefore, it has been classified as a Variant of Uncertain Significance.